The following is an entry in ClinVar:

ClinVar aggregate classification (germline): Likely benign. Review status: criteria provided, multiple submitters, no conflicts (2 of 4 stars). 2 submissions from 2 submitters: Likely benign (2). Last evaluated 2025-03-03.

Conditions:
Pitt-Hopkins-like syndrome 2 (PTHSL2). Identifiers: Orphanet 221150, Orphanet 600663, MedGen C3280479, MONDO:0013690, OMIM 614325.

Allele frequency attached by ClinVar (database versions not stated): gnomAD exomes below 0.00001 and 0.00001; gnomAD 0.00002; TOPMed 0.00002; ExAC 0.00003; ESP Exome Variant Server 0.00008.
gnomAD v4.1: 10 of 1,611,312 alleles (0.00062%); highest among the groups gnomAD compares: Middle Eastern, 0.016%; no homozygotes.

Submissions (2):

Labcorp Genetics (formerly Invitae), Labcorp
Classification: Likely benign for Pitt-Hopkins-like syndrome 2. Last evaluated: 2025-03-03. Review status: criteria provided, single submitter. Criteria: Invitae Variant Classification Sherloc (09022015). Collection method: clinical testing. Allele origin: germline.

GeneDx
Classification: Likely benign. Last evaluated: 2018-04-24. Review status: criteria provided, single submitter. Criteria: GeneDx Variant Classification (06012015). Collection method: clinical testing. Allele origin: germline. Affected: yes.
Comment: This variant is considered likely benign or benign based on one or more of the following criteria: it is a conservative change, it occurs at a poorly conserved position in the protein, it is predicted to be benign by multiple in silico algorithms, and/or has population frequency not consistent with disease.

NM_001330078.2(NRXN1):c.3204T>C (p.Asp1068=)

Gene: NRXN1 (neurexin 1; minus strand). Cytogenetic location: 2p16.3.
Variant type: single nucleotide variant.
Coding change: c.3204T>C on transcript NM_001330078.2 (MANE Select); coding-DNA position 3204, T replaced by C.
Protein change: p.Asp1068=; no amino-acid change (aspartic acid 1068 retained).
Molecular consequence: synonymous variant.
Genome position (GRCh38, 1-based): chr2:50,472,338, A>G on the plus strand (T>C on the coding strand, the complement: NRXN1 is on the minus strand). VCF-style: chr2-50472338-A-G. GRCh37 (hg19) VCF-style: chr2-50699476-A-G.
Other names: c.3324T>C, p.Asp1108= (NM_001135659.3); c.3180T>C, p.Asp1060= (NM_001330077.2, NM_001330082.2); c.3138T>C, p.Asp1046= (NM_001330083.2, NM_001330084.2); c.3177T>C, p.Asp1059= (NM_001330085.2); c.3204T>C, p.Asp1068= (NM_001330086.2, NM_004801.6); c.3093T>C, p.Asp1031= (NM_001330087.2, NM_001330096.2); c.3123T>C, p.Asp1041= (NM_001330088.2); c.3201T>C, p.Asp1067= (NM_001330093.2); and 2 more.
Identifiers: ClinVar variation 682327 (VCV000682327.4), dbSNP rs377363689, ClinGen allele CA1654644.